The following is an entry in ClinVar:

NM_138694.4(PKHD1):c.179_182delinsGACGT (p.Ile60fs)

Gene: PKHD1 (PKHD1 ciliary IPT domain containing fibrocystin/polyductin; minus strand). Cytogenetic location: 6p12.2.
Variant type: Indel.
Coding change: c.179_182delinsGACGT on transcript NM_138694.4 (MANE Select); coding-DNA positions 179 to 182, TACA replaced by GACGT.
Protein change: p.Ile60fs; shifts the reading frame from isoleucine 60.
Molecular consequence: frameshift variant.
Genome position (GRCh38, 1-based): chr6:52,082,491-52,082,494, TGTA replaced by ACGTC on the plus strand (TACA replaced by GACGT on the coding strand, the reverse complement: PKHD1 is on the minus strand). VCF-style: chr6-52082491-TGTA-ACGTC. GRCh37 (hg19) VCF-style: chr6-51947289-TGTA-ACGTC.
Other names: c.179_182delinsGACGT, p.Ile60fs (NM_170724.3); short protein forms I60fs.
Identifiers: ClinVar variation 1725416 (VCV001725416.2), dbSNP rs2533761786, ClinGen allele CA2580075594.
Genomic context (GRCh38, chr6:52,082,491, plus strand): 5'-GGAAAGACGTCACAGGGAACACTCCGCAGTGCGGGCACCACCATGTTCACGTTCACCAGG[TGTA>ACGTC]TCTCCAATTGAGAGCCATTGTTGGGGTAAAGAACACCCAACTCCAAACCTAACACAAGGG-3'

ClinVar aggregate classification (germline): Likely pathogenic (1 of 4 stars; one submission).

Conditions:
Polycystic kidney disease 4 (PKD4). Also called: POLYCYSTIC KIDNEY AND HEPATIC DISEASE 1; POLYCYSTIC KIDNEY DISEASE, INFANTILE, TYPE I; POLYCYSTIC KIDNEY DISEASE 4 WITH OR WITHOUT POLYCYSTIC LIVER DISEASE; PKD3; Autosomal Recessive Polycystic Kidney Disease – PKHD1. Identifiers: MedGen C4540575, MONDO:0033004, OMIM 263200.

Submission:

Myriad Genetics, Inc.
Classification: Likely pathogenic for Polycystic kidney disease 4. Last evaluated: 2022-03-20. Review status: criteria provided, single submitter. Criteria: Myriad Women's Health Autosomal Recessive and X-Linked Classification Criteria (2021). Collection method: clinical testing. Allele origin: unknown.
Comment: NM_138694.3(PKHD1):c.179_182del4ins5(I60Rfs*19) is expected to be pathogenic in the context of autosomal recessive polycystic kidney disease, PKHD1-related. This variant is predicted to lead to an abnormal or absent protein product due to the creation of a premature termination codon in PKHD1, a gene where loss-of-function variants are known to be pathogenic. Please note: this variant was assessed in the context of healthy population screening.